The following is an entry in ClinVar:

NM_000051.4(ATM):c.791A>G (p.Tyr264Cys)

Gene: ATM (ATM serine/threonine kinase; plus strand). Cytogenetic location: 11q22.3.
Variant type: single nucleotide variant.
Coding change: c.791A>G on transcript NM_000051.4 (MANE Select); coding-DNA position 791, A replaced by G.
Protein change: p.Tyr264Cys; replaces tyrosine 264 with cysteine.
Molecular consequence: missense variant.
Genome position (GRCh38, 1-based): chr11:108,244,916, A>G. VCF-style: chr11-108244916-A-G. GRCh37 (hg19) VCF-style: chr11-108115643-A-G.
Other names: p.Y264C:TAT>TGT; c.791A>G, p.Tyr264Cys (NM_001351834.2); short protein forms Y264C.
Identifiers: ClinVar variation 181915 (VCV000181915.3), dbSNP rs730881338, ClinGen allele CA298129.
Genomic context (GRCh38, chr11:108,244,916, plus strand): 5'-CTGTCAACTTTCGAATTCGAGTGTGTGAATTAGGAGATGAAATTCTTCCCACTTTGCTTT[A>G]TATTTGGACTCAACATAGGCTTAATGATTCTTTAAAAGAAGTCATTATTGAATTATTTCA-3'
Protein context (NP_000042.3, residues 254-274): LGDEILPTLL[Tyr264Cys]IWTQHRLNDS

ClinVar aggregate classification (germline): Uncertain significance. Review status: criteria provided, multiple submitters, no conflicts (2 of 4 stars). 2 submissions from 2 submitters: Uncertain significance (2). Last evaluated 2024-03-20.

Conditions:
Hereditary cancer-predisposing syndrome. Also called: Tumor predisposition; Hereditary Cancer Syndrome; Hereditary neoplastic syndrome; Neoplastic Syndromes, Hereditary. Identifiers: Orphanet 140162, MedGen C0027672, MeSH D009386, MONDO:0015356.

gnomAD v4.1: 3 of 1,613,620 alleles (0.00019%); highest among the groups gnomAD compares: Non-Finnish European, 0.00025%; no homozygotes.

Submissions (2):

Ambry Genetics
Classification: Uncertain significance for Hereditary cancer-predisposing syndrome. Last evaluated: 2024-03-20. Review status: criteria provided, single submitter. Criteria: Ambry Variant Classification Scheme 2023. Collection method: clinical testing. Allele origin: germline.
Comment: The p.Y264C variant (also known as c.791A>G), located in coding exon 6 of the ATM gene, results from an A to G substitution at nucleotide position 791. The tyrosine at codon 264 is replaced by cysteine, an amino acid with highly dissimilar properties. This amino acid position is well conserved in available vertebrate species. In addition, this alteration is predicted to be tolerated by in silico analysis. Based on the available evidence, the clinical significance of this alteration remains unclear.

GeneDx
Classification: Uncertain significance. Last evaluated: 2014-05-29. Review status: criteria provided, single submitter. Criteria: GeneDx Variant Classification (06012015). Collection method: clinical testing. Allele origin: germline. Affected: yes.
Comment: This variant is denoted ATM c.791A>G at the cDNA level, p.Tyr264Cys (Y264C) at the protein level, and results in the change of a Tyrosine to a Cysteine (TAT>TGT). This variant has not, to our knowledge, been published in the literature as pathogenic or benign. ATM Tyr264Cys was not observed in approximately 6,500 individuals of European and African American ancestry in the NHLBI Exome Sequencing Project, indicating it is not a common benign variant in these populations. Since Tyrosine and Cysteine differ in polarity, charge, size or other properties, this is considered a non-conservative amino acid substitution. ATM Tyr264Cys occurs at a position that is moderately conserved across species and is not located in a known functional domain. In addition, in silico analyses predict that this variant is unlikely to alter protein structure or function. Based on currently available information, it is unclear whether ATM Tyr264Cys is pathogenic or benign. We consider it to be a variant of uncertain significance.